The following is an entry in ClinVar:

NM_001099403.2(PRDM8):c.1164G>C (p.Glu388Asp)

Gene: PRDM8 (PR/SET domain 8; plus strand). Cytogenetic location: 4q21.21.
Variant type: single nucleotide variant.
Coding change: c.1164G>C on transcript NM_001099403.2 (MANE Select); coding-DNA position 1164, G replaced by C.
Protein change: p.Glu388Asp; replaces glutamic acid 388 with aspartic acid.
Molecular consequence: missense variant.
Genome position (GRCh38, 1-based): chr4:80,202,626, G>C. VCF-style: chr4-80202626-G-C. GRCh37 (hg19) VCF-style: chr4-81123780-G-C.
Other names: c.1164G>C, p.Glu388Asp (NM_020226.4); short protein forms E388D.
Identifiers: ClinVar variation 1462655 (VCV001462655.8), dbSNP rs1402048793, ClinGen allele CA357398849.
Genomic context (GRCh38, chr4:80,202,626, plus strand): 5'-CCGCCTCTTCGCGCCGCCAAGTCCCGAGACGGGCGAGGCGAAGCGCAGCGCCTTCGTGGA[G>C]GTGAAGAAGGCTGCCCGCGCGGCCAGCCTGCAGGAGGAGGGGACAGCCGACGGCGCGGGA-3'
Protein context (NP_001092873.1, residues 378-398): TGEAKRSAFV[Glu388Asp]VKKAARAASL

ClinVar aggregate classification (germline): Uncertain significance (1 of 4 stars; one submission).

Conditions:
Early-onset Lafora body disease. Also called: Epilepsy, progressive myoclonic, 10. Identifiers: Orphanet 324290, MedGen C4225258, MONDO:0014717, OMIM 616640.

Allele frequency attached by ClinVar (database versions not stated): gnomAD exomes 0.00001.

Submission:

Labcorp Genetics (formerly Invitae), Labcorp
Classification: Uncertain significance for Early-onset Lafora body disease. Last evaluated: 2021-03-28. Review status: criteria provided, single submitter. Criteria: Invitae Variant Classification Sherloc (09022015). Collection method: clinical testing. Allele origin: germline.
Comment: This sequence change replaces glutamic acid with aspartic acid at codon 388 of the PRDM8 protein (p.Glu388Asp). The glutamic acid residue is moderately conserved and there is a small physicochemical difference between glutamic acid and aspartic acid. The frequency data for this variant in the population databases is considered unreliable, as metrics indicate insufficient coverage at this position in the ExAC database. This variant has not been reported in the literature in individuals with PRDM8-related conditions. Algorithms developed to predict the effect of missense changes on protein structure and function are either unavailable or do not agree on the potential impact of this missense change (SIFT: "Deleterious"; PolyPhen-2: "Possibly Damaging"; Align-GVGD: "Class C0"). In summary, the available evidence is currently insufficient to determine the role of this variant in disease. Therefore, it has been classified as a Variant of Uncertain Significance.